The following is an entry in ClinVar:

ClinVar aggregate classification (germline): Likely benign. Review status: criteria provided, multiple submitters, no conflicts (2 of 4 stars). 3 submissions from 3 submitters: Likely benign (2). 1 of the submissions does not count toward it. Last evaluated 2025-12-22.

Conditions:
SPATA7-related disorder. Also called: SPATA7-related condition; SPATA7-related disorders. Identifiers: MedGen CN239422.
Leber congenital amaurosis 3 (LCA3). Also called: SPATA7-Related Retinitis Pigmentosa. Identifiers: MedGen C1858677, MONDO:0011415, OMIM 604232.

Allele frequency attached by ClinVar (database versions not stated): gnomAD 0.00004 and 0.00005; ExAC 0.00005; gnomAD exomes 0.00005 and 0.00008; TOPMed 0.00006.
gnomAD v4.1: 126 of 1,610,236 alleles (0.0078%); highest among the groups gnomAD compares: Middle Eastern, 0.016%; no homozygotes.

Submissions (3):

Labcorp Genetics (formerly Invitae), Labcorp
Classification: Likely benign for Leber congenital amaurosis 3. Last evaluated: 2025-12-22. Review status: criteria provided, single submitter. Criteria: Invitae Variant Classification Sherloc (09022015). Collection method: clinical testing. Allele origin: germline.

Blueprint Genetics
Classification: Likely benign. Last evaluated: 2024-03-22. Review status: criteria provided, single submitter. Criteria: ACMG Guidelines, 2015. Collection method: clinical testing. Allele origin: germline.

PreventionGenetics, part of Exact Sciences
Classification: Likely benign for SPATA7-related condition. Last evaluated: 2020-07-30. Review status: no assertion criteria provided. Collection method: clinical testing. Allele origin: germline. Not counted in ClinVar's aggregate classification.
Comment: This variant is classified as likely benign based on ACMG/AMP sequence variant interpretation guidelines (Richards et al. 2015 PMID: 25741868, with internal and published modifications).

NM_018418.5(SPATA7):c.1179C>T (p.Phe393=)

Gene: SPATA7 (spermatogenesis associated 7; plus strand). Cytogenetic location: 14q31.3.
Variant type: single nucleotide variant.
Coding change: c.1179C>T on transcript NM_018418.5 (MANE Select); coding-DNA position 1179, C replaced by T.
Protein change: p.Phe393=; no amino-acid change (phenylalanine 393 retained).
Molecular consequence: synonymous variant.
Genome position (GRCh38, 1-based): chr14:88,437,561, C>T. VCF-style: chr14-88437561-C-T. GRCh37 (hg19) VCF-style: chr14-88903905-C-T.
Other names: c.1083C>T, p.Phe361= (NM_001040428.4); c.1179C>T (NM_018418.4).
Identifiers: ClinVar variation 1119021 (VCV001119021.12), dbSNP rs747253370, ClinGen allele CA7298756.